The following is an entry in ClinVar:

NC_012920.1(MT-TP):m.15967G>A

Gene: MT-TP (mitochondrially encoded tRNA proline; minus strand).
Variant type: single nucleotide variant.
Genome position: chrM-15967-G-A.
Other names: 15967G-A.
Identifiers: ClinVar variation 9572 (VCV000009572.3), dbSNP rs199474701, ClinGen allele CA120550.
Genomic context (GRCh38, chrMT:15,967, plus strand): 5'-ATACACCAGTCTTGTAAACCGGAGATGAAAACCTTTTTCCAAGGACAAATCAGAGAAAAA[G>A]TCTTTAACTCCACCATTAGCACCCAAAGCTAAGATTCTAATTTAAACTATTCTCTGTTCT-3'

ClinVar aggregate classification (germline): Uncertain significance. Review status: reviewed by expert panel (3 of 4 stars). 3 submissions from 3 submitters: Uncertain significance (1). 2 of the submissions do not count toward it. Last evaluated 2024-05-13.

Conditions:
Mitochondrial disease. Also called: Mitochondrial disorder; Mitochondrial disorders. Identifiers: Orphanet 68380, MedGen C0751651, MeSH D028361, MONDO:0044970.
MERFF syndrome. Identifiers: MedGen C4016625.
MELAS syndrome (MELAS). Also called: Juvenile myopathy, encephalopathy, lactic acidosis, stroke. Identifiers: Orphanet 550, MedGen C0162671, MONDO:0010789, OMIM 540000.

Submissions (3):

ClinGen Mitochondrial Disease Nuclear and Mitochondrial  Variant Curation Expert Panel, ClinGen
Classification: Uncertain significance for Mitochondrial disease. Last evaluated: 2024-05-13. Review status: reviewed by expert panel. Criteria: clingen mito disease acmg specifications v1-1. Collection method: curation. Allele origin: germline. Inheritance: Mitochondrial inheritance.
Comment: The m.15967G>A variant in MT-TP has been reported in one individual with primary mitochondrial disease to date (PMID: 19273760). Brain imaging showed changes in the cerebral white matter, basal ganglia, and thalami, in addition to cerebral and cerebellar atrophy. This variant occurred de novo in the single reported individual (absent in blood and urine from mother and two healthy sisters; PM6_supporting, PMID: 19273760). This variant is absent in the GenBank dataset, Helix dataset, and gnomAD v3.1.2 (PM2_supporting). The computational predictor MitoTIP suggests this variant is deleterious (78.9 percentile) and HmtVAR predicts it to be deleterious with a score of 0.65 (PP3). It should be noted that the low conservation of this variant (35.56% in Mitomap) is misleading due to the absence of this position in many species. Among species with a nucleotide at this position, the conservation is 84%. Single fiber testing showed higher levels of the variant in COX-deficient fibers (98.80%, standard deviation 0.89%) than in COX-positive fibers (31.1%, standard deviation 11.23%; PS3_supporting, PMID: 19273760). In summary, this variant meets criteria to be classified as uncertain significance for primary mitochondrial disease inherited in a mitochondrial manner. This classification was approved by the NICHD/NINDS U24 ClinGen Mitochondrial Disease Variant Curation Expert Panel on May 13, 2024. Mitochondrial DNA-specific ACMG/AMP criteria applied (PMID: 32906214): PM6_supporting, PP3, PS3_supporting, PM2_supporting.

Wong Mito Lab, Molecular and Human Genetics, Baylor College of Medicine
Classification: Pathogenic for MELAS syndrome. Last evaluated: 2019-07-12. Review status: criteria provided, single submitter. Criteria: Modified ACMG Guidelines (Unpublished). Collection method: clinical testing. Allele origin: germline. Not counted in ClinVar's aggregate classification.
Comment: The NC_012920.1:m.15967G>A variant in MT-TP gene is interpreted to be a Pathogenic variant based on the modified ACMG guidelines (unpublished). This variant meets the following evidence codes reported in the guidelines: PS3, PM7, PM8, PM9

OMIM
Classification: Pathogenic for MERFF SYNDROME. Last evaluated: 2009-03-01. Review status: no assertion criteria provided. Collection method: literature only. Allele origin: germline. Not counted in ClinVar's aggregate classification.

Literature cited by the submitters: PubMed 19273760 (cited by 3 submitters); PubMed 31965079 (cited by Wong Mito Lab, Molecular and Human Genetics, Baylor College of Medicine); PubMed 19718780 (cited by Wong Mito Lab, Molecular and Human Genetics, Baylor College of Medicine).